The following is an entry in ClinVar:

NM_001129.5(AEBP1):c.755G>A (p.Arg252His)

Gene: AEBP1 (AE binding protein 1; plus strand). Cytogenetic location: 7p13.
Variant type: single nucleotide variant.
Coding change: c.755G>A on transcript NM_001129.5 (MANE Select); coding-DNA position 755, G replaced by A.
Protein change: p.Arg252His; replaces arginine 252 with histidine.
Molecular consequence: missense variant.
Genome position (GRCh38, 1-based): chr7:44,107,824, G>A. VCF-style: chr7-44107824-G-A. GRCh37 (hg19) VCF-style: chr7-44147423-G-A.
Other names: short protein forms R252H.
Identifiers: ClinVar variation 1314560 (VCV001314560.3), dbSNP rs200279382, ClinGen allele CA4237623.

ClinVar aggregate classification (germline): Uncertain significance. Review status: criteria provided, multiple submitters, no conflicts (2 of 4 stars). 2 submissions from 2 submitters: Uncertain significance (2). Last evaluated 2022-03-19.

Allele frequency attached by ClinVar (database versions not stated): TOPMed 0.00001; gnomAD exomes 0.00007 and 0.00014; gnomAD 0.00010 and 0.00011; ExAC 0.00016.
gnomAD v4.1: 110 of 1,611,412 alleles (0.0068%); highest among the groups gnomAD compares: Middle Eastern, 0.016%; no homozygotes.

Submissions (2):

Labcorp Genetics (formerly Invitae), Labcorp
Classification: Uncertain significance. Last evaluated: 2022-03-19. Review status: criteria provided, single submitter. Criteria: Invitae Variant Classification Sherloc (09022015). Collection method: clinical testing. Allele origin: germline.
Comment: This sequence change replaces arginine, which is basic and polar, with histidine, which is basic and polar, at codon 252 of the AEBP1 protein (p.Arg252His). This variant is present in population databases (rs200279382, gnomAD 0.09%). This variant has not been reported in the literature in individuals affected with AEBP1-related conditions. ClinVar contains an entry for this variant (Variation ID: 1314560). Algorithms developed to predict the effect of missense changes on protein structure and function (SIFT, PolyPhen-2, Align-GVGD) all suggest that this variant is likely to be tolerated. In summary, the available evidence is currently insufficient to determine the role of this variant in disease. Therefore, it has been classified as a Variant of Uncertain Significance.

GeneDx
Classification: Uncertain significance. Last evaluated: 2021-04-08. Review status: criteria provided, single submitter. Criteria: GeneDx Variant Classification Process June 2021. Collection method: clinical testing. Allele origin: germline. Affected: yes.
Comment: In silico analysis supports that this missense variant does not alter protein structure/function; Has not been previously published as pathogenic or benign to our knowledge